The following is an entry in ClinVar:

NM_001080449.3(DNA2):c.2955T>C (p.Asn985=)

Gene: DNA2 (DNA replication helicase/nuclease 2; minus strand). Cytogenetic location: 10q21.3.
Variant type: single nucleotide variant.
Coding change: c.2955T>C on transcript NM_001080449.3 (MANE Select); coding-DNA position 2955, T replaced by C.
Protein change: p.Asn985=; no amino-acid change (asparagine 985 retained).
Molecular consequence: synonymous variant. On other transcripts: non-coding transcript variant (1).
Genome position (GRCh38, 1-based): chr10:68,419,046, A>G on the plus strand (T>C on the coding strand, the complement: DNA2 is on the minus strand). VCF-style: chr10-68419046-A-G. GRCh37 (hg19) VCF-style: chr10-70178803-A-G.
Identifiers: ClinVar variation 3250930 (VCV003250930.18), dbSNP rs2493894760.

ClinVar aggregate classification (germline): Likely benign (1 of 4 stars; one submission).

Submission:

CeGaT Center for Human Genetics Tuebingen
Classification: Likely benign. Last evaluated: 2024-06-01. Review status: criteria provided, single submitter. Criteria: CeGaT Center For Human Genetics Tuebingen Variant Classification Criteria Version 2. Collection method: clinical testing. Allele origin: germline. Affected: yes. Observed: 1 variant allele.
Comment: DNA2: PM2:Supporting, BP4, BP7